The following is an entry in ClinVar:

NM_170707.4(LMNA):c.629T>A (p.Ile210Asn)

Gene: LMNA (lamin A/C; plus strand). Cytogenetic location: 1q22.
Variant type: single nucleotide variant.
Coding change: c.629T>A on transcript NM_170707.4 (MANE Select); coding-DNA position 629, T replaced by A.
Protein change: p.Ile210Asn; replaces isoleucine 210 with asparagine.
Molecular consequence: missense variant. On other transcripts: 5 prime UTR variant (4).
Genome position (GRCh38, 1-based): chr1:156,134,518, T>A. VCF-style: chr1-156134518-T-A. GRCh37 (hg19) VCF-style: chr1-156104309-T-A.
Other names: c.293T>A, p.Ile98Asn (NM_001257374.3, NM_001406989.1, NM_001406998.1); c.386T>A, p.Ile129Asn (NM_001282624.2, NM_001406986.1, NM_001406987.1); c.629T>A, p.Ile210Asn (NM_001282625.2, NM_001282626.2, NM_001406983.1 and 6 more transcripts); c.332T>A, p.Ile111Asn (NM_001406988.1); c.71T>A, p.Ile24Asn (NM_001406990.1, NM_001406993.1, NM_001406995.1 and 4 more transcripts); c.-36T>A (NM_001406994.1, NM_001406999.1, NM_001407000.1 and 1 more transcripts); short protein forms I98N, I111N, I129N, I210N, I24N.
Identifiers: ClinVar variation 3633627 (VCV003633627.3).

ClinVar aggregate classification (germline): Conflicting classifications of pathogenicity. Review status: criteria provided, conflicting classifications (1 of 4 stars). 2 submissions from 2 submitters: Likely pathogenic (1); Uncertain significance (1). Last evaluated 2026-05-11.

Conditions:
Cardiovascular phenotype. Identifiers: MedGen CN230736.
Charcot-Marie-Tooth disease type 2. Also called: Charcot-Marie-Tooth type 2. Identifiers: Orphanet 64746, MedGen C0270914, MONDO:0018993.

Submissions (2):

Ambry Genetics
Classification: Likely pathogenic for Cardiovascular phenotype. Last evaluated: 2026-05-11. Review status: criteria provided, single submitter. Criteria: Ambry Variant Classification Scheme 2023. Collection method: clinical testing. Allele origin: germline.
Comment: The p.I210N variant (also known as c.629T>A), located in coding exon 3 of the LMNA gene, results from a T to A substitution at nucleotide position 629. The isoleucine at codon 210 is replaced by asparagine, an amino acid with dissimilar properties. This variant was reported in individual(s) with features consistent with LMNA-related laminopathy (Ambry internal data). Other variant(s) at the same codon, p.I210S c.629T>G, have been identified in individual(s) with features consistent with LMNA-related laminopathy (Parks SB et al. Am Heart J, 2008 Jul;156:161-9). This amino acid position is well conserved in available vertebrate species. In addition, this alteration is predicted to be deleterious by in silico analysis. This variant is considered to be rare based on population cohorts in the Genome Aggregation Database (gnomAD). Based on the majority of available evidence to date, this variant is likely to be pathogenic.

Labcorp Genetics (formerly Invitae), Labcorp
Classification: Uncertain significance for Charcot-Marie-Tooth disease type 2. Last evaluated: 2024-11-06. Review status: criteria provided, single submitter. Criteria: Invitae Variant Classification Sherloc (09022015). Collection method: clinical testing. Allele origin: germline.
Comment: This sequence change replaces isoleucine, which is neutral and non-polar, with asparagine, which is neutral and polar, at codon 210 of the LMNA protein (p.Ile210Asn). This variant is not present in population databases (gnomAD no frequency). This variant has not been reported in the literature in individuals affected with LMNA-related conditions. Invitae Evidence Modeling of protein sequence and biophysical properties (such as structural, functional, and spatial information, amino acid conservation, physicochemical variation, residue mobility, and thermodynamic stability) indicates that this missense variant is expected to disrupt LMNA protein function with a positive predictive value of 95%. In summary, the available evidence is currently insufficient to determine the role of this variant in disease. Therefore, it has been classified as a Variant of Uncertain Significance.